The following is an entry in ClinVar:

ClinVar aggregate classification (germline): Uncertain significance. Review status: criteria provided, multiple submitters, no conflicts (2 of 4 stars). 2 submissions from 2 submitters: Uncertain significance (2). Last evaluated 2021-04-21.

Submissions (2):

GeneDx
Classification: Uncertain significance. Last evaluated: 2021-04-21. Review status: criteria provided, single submitter. Criteria: GeneDx Variant Classification Process June 2021. Collection method: clinical testing. Allele origin: germline. Affected: yes.
Comment: Not observed at a significant frequency in large population cohorts (Lek et al., 2016); In silico analysis supports that this missense variant has a deleterious effect on protein structure/function; Has not been previously published as pathogenic or benign to our knowledge

CeGaT Center for Human Genetics Tuebingen
Classification: Uncertain significance. Last evaluated: 2019-05-01. Review status: criteria provided, single submitter. Criteria: CeGaT Center For Human Genetics Tuebingen Variant Classification Criteria Version 2. Collection method: clinical testing. Allele origin: germline. Affected: yes. Observed: 1 variant allele.

NM_007254.4(PNKP):c.931C>T (p.Arg311Cys)

Gene: PNKP (polynucleotide kinase 3'-phosphatase; minus strand). Cytogenetic location: 19q13.33.
Variant type: single nucleotide variant.
Coding change: c.931C>T on transcript NM_007254.4 (MANE Select); coding-DNA position 931, C replaced by T.
Protein change: p.Arg311Cys; replaces arginine 311 with cysteine.
Molecular consequence: missense variant.
Genome position (GRCh38, 1-based): chr19:49,862,543, G>A on the plus strand (C>T on the coding strand, the complement: PNKP is on the minus strand). VCF-style: chr19-49862543-G-A. GRCh37 (hg19) VCF-style: chr19-50365800-G-A.
Other names: short protein forms R311C.
Identifiers: ClinVar variation 808622 (VCV000808622.44), dbSNP rs755967508, ClinGen allele CA406881780.